The following is an entry in ClinVar:

NM_013450.4(BAZ2B):c.5763A>T (p.Lys1921Asn)

Gene: BAZ2B (bromodomain adjacent to zinc finger domain 2B; minus strand). Cytogenetic location: 2q24.2.
Variant type: single nucleotide variant.
Coding change: c.5763A>T on transcript NM_013450.4 (MANE Select); coding-DNA position 5763, A replaced by T.
Protein change: p.Lys1921Asn; replaces lysine 1921 with asparagine.
Molecular consequence: missense variant.
Genome position (GRCh38, 1-based): chr2:159,336,975, T>A on the plus strand (A>T on the coding strand, the complement: BAZ2B is on the minus strand). VCF-style: chr2-159336975-T-A. GRCh37 (hg19) VCF-style: chr2-160193486-T-A.
Other names: c.5655A>T, p.Lys1885Asn (NM_001289975.1); c.5706A>T, p.Lys1902Asn (NM_001329857.2); c.5688A>T, p.Lys1896Asn (NM_001329858.2); short protein forms K1885N, K1896N, K1902N, K1921N.
Identifiers: ClinVar variation 3061124 (VCV003061124.2), dbSNP rs764634991, ClinGen allele CA1923799.

ClinVar aggregate classification (germline): Uncertain significance (0 of 4 stars; one submission).

Conditions:
BAZ2B-related disorder. Also called: BAZ2B-related condition.

Allele frequency attached by ClinVar (database versions not stated): ExAC 0.00001; TOPMed 0.00001; gnomAD 0.00002.
gnomAD v4.1: 3 of 1,609,318 alleles (0.00019%); highest among the groups gnomAD compares: African/African-American, 0.004%; no homozygotes.

Submission:

PreventionGenetics, part of Exact Sciences
Classification: Uncertain significance for BAZ2B-related condition. Last evaluated: 2024-02-08. Review status: no assertion criteria provided. Collection method: clinical testing. Allele origin: germline.
Comment: The BAZ2B c.5655A>T variant is predicted to result in the amino acid substitution p.Lys1885Asn. To our knowledge, this variant has not been reported in the literature. This variant is reported in 0.012% of alleles in individuals of African descent in gnomAD. At this time, the clinical significance of this variant is uncertain due to the absence of conclusive functional and genetic evidence.